The following is an entry in ClinVar:

ClinVar aggregate classification (germline): Pathogenic (1 of 4 stars; one submission).

Conditions:
Duchenne muscular dystrophy (DMD). Also called: MUSCULAR DYSTROPHY, PSEUDOHYPERTROPHIC PROGRESSIVE, DUCHENNE TYPE; Duchenne Muscular Dystrophy (DMD). Identifiers: Orphanet 98896, MedGen C0013264, MONDO:0010679, OMIM 310200.

Submission:

Labcorp Genetics (formerly Invitae), Labcorp
Classification: Pathogenic for Duchenne muscular dystrophy. Last evaluated: 2022-03-14. Review status: criteria provided, single submitter. Criteria: Invitae Variant Classification Sherloc (09022015). Collection method: clinical testing. Allele origin: germline.
Comment: ClinVar contains an entry for this variant (Variation ID: 1322235). This premature translational stop signal has been observed in individual(s) with Duchenne muscular dystrophy (PMID: 23536893). This variant is not present in population databases (gnomAD no frequency). This sequence change creates a premature translational stop signal (p.Gln840*) in the DMD gene. It is expected to result in an absent or disrupted protein product. Loss-of-function variants in DMD are known to be pathogenic (PMID: 16770791, 25007885). For these reasons, this variant has been classified as Pathogenic.

Literature cited by the submitters: PubMed 23536893; PubMed 16770791; PubMed 25007885.

NM_004006.3(DMD):c.2518C>T (p.Gln840Ter)

Gene: DMD (dystrophin; minus strand). Cytogenetic location: Xp21.1.
Variant type: single nucleotide variant.
Coding change: c.2518C>T on transcript NM_004006.3 (MANE Select); coding-DNA position 2518, C replaced by T.
Protein change: p.Gln840Ter; replaces glutamine 840 with a stop codon.
Molecular consequence: nonsense.
Genome position (GRCh38, 1-based): chrX:32,491,381, G>A on the plus strand (C>T on the coding strand, the complement: DMD is on the minus strand). VCF-style: chrX-32491381-G-A. GRCh37 (hg19) VCF-style: chrX-32509498-G-A.
Other names: c.2494C>T, p.Gln832Ter (NM_000109.4); c.2506C>T, p.Gln836Ter (NM_004009.3); c.2149C>T, p.Gln717Ter (NM_004010.3); short protein forms Q840*, Q717*, Q832*, Q836*.
Identifiers: ClinVar variation 1322235 (VCV001322235.6), dbSNP rs398123892, ClinGen allele CA222324.
Genomic context (GRCh38, chrX:32,491,381, plus strand): 5'-GGGTGGTGGGTTGGATTTTCAACCAGTTTTCAGCAGTAGTTGTCATCTGCTCCAATTGTT[G>A]TAGCTGATTATAGAAAGCGATGATGTTGTTCTGATACTCCAGCCAGTTAAGTCTCTCACT-3'